The following is an entry in ClinVar:

NM_014030.4(GIT1):c.1545C>T (p.Ala515=)

Genes: GIT1 (GIT ArfGAP 1; minus strand), TP53I13 (tumor protein p53 inducible protein 13; plus strand). Cytogenetic location: 17q11.2.
Variant type: single nucleotide variant.
Coding change: c.1545C>T on transcript NM_014030.4 (MANE Select); coding-DNA position 1545, C replaced by T.
Protein change: p.Ala515=; no amino-acid change (alanine 515 retained).
Molecular consequence: synonymous variant.
Genome position (GRCh38, 1-based): chr17:29,576,286, G>A on the plus strand (C>T on the coding strand, the complement: GIT1 is on the minus strand). VCF-style: chr17-29576286-G-A. GRCh37 (hg19) VCF-style: chr17-27903304-G-A.
Other names: c.1572C>T, p.Ala524= (NM_001085454.2).
Identifiers: ClinVar variation 3034196 (VCV003034196.2), dbSNP rs148402352, ClinGen allele CA8476023.

ClinVar aggregate classification (germline): Likely benign (0 of 4 stars; one submission).

Conditions:
GIT1-related disorder. Also called: GIT1-related condition.

Allele frequency attached by ClinVar (database versions not stated): 1000 Genomes Project 30x 0.00016; 1000 Genomes Project 0.00020; ExAC 0.00026; gnomAD exomes 0.00032; ESP Exome Variant Server 0.00054; TOPMed 0.00054; gnomAD 0.00058.
gnomAD v4.1: 548 of 1,612,566 alleles (0.034%); highest among the groups gnomAD compares: Admixed American, 0.2%; 1 homozygote.

Submission:

PreventionGenetics, part of Exact Sciences
Classification: Likely benign for GIT1-related condition. Last evaluated: 2019-06-12. Review status: no assertion criteria provided. Collection method: clinical testing. Allele origin: germline.
Comment: This variant is classified as likely benign based on ACMG/AMP sequence variant interpretation guidelines (Richards et al. 2015 PMID: 25741868, with internal and published modifications).